The following is an entry in ClinVar:

NC_000021.9:g.(?_45986526)_(45987654_?)del

Gene: COL6A1 (collagen type VI alpha 1 chain; plus strand). Cytogenetic location: 21q22.3.
Variant type: Deletion.
Identifiers: ClinVar variation 833097 (VCV000833097.8).

ClinVar aggregate classification (germline): Pathogenic (1 of 4 stars; one submission).

Conditions:
Bethlem myopathy 1A. Also called: MYOPATHY, BENIGN CONGENITAL, WITH CONTRACTURES; Bethlem Muscular Dystrophy; Bethlem myopathy 1. Identifiers: Orphanet 610, MedGen CN029274, MONDO:0024530, OMIM 158810.

Submission:

Labcorp Genetics (formerly Invitae), Labcorp
Classification: Pathogenic for Bethlem myopathy 1A. Last evaluated: 2019-10-05. Review status: criteria provided, single submitter. Criteria: Invitae Variant Classification Sherloc (09022015). Collection method: clinical testing. Allele origin: germline.
Comment: Loss-of-function variants in COL6A1 are known to be pathogenic (PMID: 19884007, 20976770). This variant is an out-of-frame deletion of the genomic region encompassing exons 4-8 of the COL6A1 gene. This is expected to create a premature translational stop signal and result in an absent or disrupted protein product. This variant has not been reported in the literature in individuals with COL6A1-related conditions. For these reasons, this variant has been classified as Pathogenic.

Literature cited by the submitters: PubMed 19884007; PubMed 20976770.